The following is an entry in ClinVar:

NM_002485.5(NBN):c.950T>C (p.Met317Thr)

Gene: NBN (nibrin; minus strand). Cytogenetic location: 8q21.3.
Variant type: single nucleotide variant.
Coding change: c.950T>C on transcript NM_002485.5 (MANE Select); coding-DNA position 950, T replaced by C.
Protein change: p.Met317Thr; replaces methionine 317 with threonine.
Molecular consequence: missense variant.
Genome position (GRCh38, 1-based): chr8:89,964,454, A>G on the plus strand (T>C on the coding strand, the complement: NBN is on the minus strand). VCF-style: chr8-89964454-A-G. GRCh37 (hg19) VCF-style: chr8-90976682-A-G.
Other names: c.704T>C, p.Met235Thr (NM_001024688.3); short protein forms M235T, M317T.
Identifiers: ClinVar variation 823301 (VCV000823301.19), dbSNP rs1586075983, ClinGen allele CA371656978.

ClinVar aggregate classification (germline): Uncertain significance. Review status: criteria provided, multiple submitters, no conflicts (2 of 4 stars). 4 submissions from 4 submitters: Uncertain significance (3). 1 of the submissions does not count toward it. Last evaluated 2024-08-21.

Conditions:
Hereditary cancer-predisposing syndrome. Also called: Hereditary Cancer Syndrome; Neoplastic Syndromes, Hereditary; Hereditary neoplastic syndrome; Tumor predisposition. Identifiers: Orphanet 140162, MedGen C0027672, MeSH D009386, MONDO:0015356.
Microcephaly, normal intelligence and immunodeficiency (NBS). Also called: Nijmegen breakage syndrome; Microcephaly with normal intelligence immunodeficiency and lymphoreticular malignancies; Nonsyndromal microcephaly autosomal recessive with normal intelligence; Seemanova syndrome 2; Immunodeficiency, microcephaly with normal intelligence; Ataxia telangiectasia variant V1. Identifiers: Orphanet 647, MedGen C0398791, MONDO:0009623, OMIM 251260.

gnomAD v4.1: 3 of 1,613,694 alleles (0.00019%); highest among the groups gnomAD compares: South Asian, 0.0022%; no homozygotes.

Submissions (4):

Labcorp Genetics (formerly Invitae), Labcorp
Classification: Uncertain significance for Microcephaly, normal intelligence and immunodeficiency. Last evaluated: 2024-08-21. Review status: criteria provided, single submitter. Criteria: Invitae Variant Classification Sherloc (09022015). Collection method: clinical testing. Allele origin: germline.
Comment: This sequence change replaces methionine, which is neutral and non-polar, with threonine, which is neutral and polar, at codon 317 of the NBN protein (p.Met317Thr). This variant is not present in population databases (gnomAD no frequency). This variant has not been reported in the literature in individuals affected with NBN-related conditions. ClinVar contains an entry for this variant (Variation ID: 823301). An algorithm developed to predict the effect of missense changes on protein structure and function (PolyPhen-2) suggests that this variant is likely to be tolerated. In summary, the available evidence is currently insufficient to determine the role of this variant in disease. Therefore, it has been classified as a Variant of Uncertain Significance.

Genome-Nilou Lab
Classification: Uncertain significance for Microcephaly, normal intelligence and immunodeficiency. Last evaluated: 2021-11-07. Review status: criteria provided, single submitter. Criteria: ACMG Guidelines, 2015. Collection method: clinical testing. Allele origin: germline. Affected: no.

Ambry Genetics
Classification: Uncertain significance for Hereditary cancer-predisposing syndrome. Last evaluated: 2019-10-22. Review status: criteria provided, single submitter. Criteria: Ambry Variant Classification Scheme 2023. Collection method: clinical testing. Allele origin: germline.
Comment: The p.M317T variant (also known as c.950T>C), located in coding exon 8 of the NBN gene, results from a T to C substitution at nucleotide position 950. The methionine at codon 317 is replaced by threonine, an amino acid with similar properties. This amino acid position is well conserved in available vertebrate species. In addition, this alteration is predicted to be tolerated by in silico analysis. Since supporting evidence is limited at this time, the clinical significance of this alteration remains unclear.

Natera, Inc.
Classification: Uncertain significance for Nijmegen breakage syndrome. Last evaluated: 2025-03-24. Review status: no assertion criteria provided. Collection method: clinical testing. Allele origin: germline. Not counted in ClinVar's aggregate classification.